The following is an entry in ClinVar:

NM_024753.5(TTC21B):c.2686G>T (p.Ala896Ser)

Gene: TTC21B (tetratricopeptide repeat domain 21B; minus strand). Cytogenetic location: 2q24.3.
Variant type: single nucleotide variant.
Coding change: c.2686G>T on transcript NM_024753.5 (MANE Select); coding-DNA position 2686, G replaced by T.
Protein change: p.Ala896Ser; replaces alanine 896 with serine.
Molecular consequence: missense variant.
Genome position (GRCh38, 1-based): chr2:165,901,793, C>A on the plus strand (G>T on the coding strand, the complement: TTC21B is on the minus strand). VCF-style: chr2-165901793-C-A. GRCh37 (hg19) VCF-style: chr2-166758303-C-A.
Other names: short protein forms A896S.
Identifiers: ClinVar variation 2052339 (VCV002052339.4), dbSNP rs2468144258, ClinGen allele CA349052490.

ClinVar aggregate classification (germline): Uncertain significance (1 of 4 stars; one submission).

Conditions:
Jeune thoracic dystrophy. Also called: Jeune syndrome; Infantile thoracic dystrophy; Thoracic pelvic phalangeal dystrophy; Jeune's syndrome; Chondroectodermal dysplasia-like syndrome; Short-rib thoracic dysplasia. Identifiers: Orphanet 474, MedGen C0265275, MONDO:0018770.
Nephronophthisis. Also called: Juvenile Nephronophthisis. Identifiers: Orphanet 655, MedGen C0687120, MONDO:0019005, HP:0000090.

Submission:

Labcorp Genetics (formerly Invitae), Labcorp
Classification: Uncertain significance for Jeune thoracic dystrophy; Nephronophthisis. Last evaluated: 2022-07-26. Review status: criteria provided, single submitter. Criteria: Invitae Variant Classification Sherloc (09022015). Collection method: clinical testing. Allele origin: germline.
Comment: This sequence change replaces alanine, which is neutral and non-polar, with serine, which is neutral and polar, at codon 896 of the TTC21B protein (p.Ala896Ser). This variant is not present in population databases (gnomAD no frequency). This variant has not been reported in the literature in individuals affected with TTC21B-related conditions. Algorithms developed to predict the effect of missense changes on protein structure and function (SIFT, PolyPhen-2, Align-GVGD) all suggest that this variant is likely to be tolerated. In summary, the available evidence is currently insufficient to determine the role of this variant in disease. Therefore, it has been classified as a Variant of Uncertain Significance.